The following is an entry in ClinVar:

ClinVar aggregate classification (germline): Benign/Likely benign. Review status: criteria provided, multiple submitters, no conflicts (2 of 4 stars). 4 submissions from 4 submitters: Benign (2); Likely benign (2). Last evaluated 2025-11-22.

Conditions:
Osteogenesis imperfecta type I (OI1). Also called: OI, TYPE I; OSTEOGENESIS IMPERFECTA TARDA; OSTEOGENESIS IMPERFECTA WITH BLUE SCLERAE; Lobstein disease; Lobstein's Disease; Classic Non-deforming Osteogenesis Imperfecta with Blue Sclerae. Identifiers: Orphanet 216796, Orphanet 666, MedGen C0023931, MONDO:0008146, OMIM 166200. Disease mechanism: loss of function.

Allele frequency attached by ClinVar (database versions not stated): gnomAD exomes 0.00003 and 0.00012; 1000 Genomes Project 30x 0.00016; 1000 Genomes Project 0.00020; ExAC 0.00020; gnomAD 0.00049 and 0.00053; TOPMed 0.00056; ESP Exome Variant Server 0.00077.
gnomAD v4.1: 117 of 1,612,296 alleles (0.0073%); highest among the groups gnomAD compares: African/African-American, 0.15%; no homozygotes.

Submissions (4):

Labcorp Genetics (formerly Invitae), Labcorp
Classification: Benign for Osteogenesis imperfecta type I. Last evaluated: 2025-11-22. Review status: criteria provided, single submitter. Criteria: Invitae Variant Classification Sherloc (09022015). Collection method: clinical testing. Allele origin: germline.

Women's Health and Genetics/Laboratory Corporation of America, LabCorp
Classification: Benign. Last evaluated: 2025-10-14. Review status: criteria provided, single submitter. Criteria: LabCorp Variant Classification Summary - May 2015. Collection method: clinical testing. Allele origin: germline.

Blueprint Genetics
Classification: Likely benign. Last evaluated: 2020-04-17. Review status: criteria provided, single submitter. Criteria: ACMG Guidelines, 2015. Collection method: clinical testing. Allele origin: germline.

GeneDx
Classification: Likely benign. Last evaluated: 2017-04-10. Review status: criteria provided, single submitter. Criteria: GeneDx Variant Classification (06012015). Collection method: clinical testing. Allele origin: germline. Affected: yes.
Comment: This variant is considered likely benign or benign based on one or more of the following criteria: it is a conservative change, it occurs at a poorly conserved position in the protein, it is predicted to be benign by multiple in silico algorithms, and/or has population frequency not consistent with disease.

NM_000088.4(COL1A1):c.3531+14C>T

Gene: COL1A1 (collagen type I alpha 1 chain; minus strand). Cytogenetic location: 17q21.33.
Variant type: single nucleotide variant.
Coding change: c.3531+14C>T on transcript NM_000088.4 (MANE Select); 14 bases into the intron after coding-DNA position 3531, C replaced by T.
Molecular consequence: intron variant.
Genome position (GRCh38, 1-based): chr17:50,187,001, G>A on the plus strand (C>T on the coding strand, the complement: COL1A1 is on the minus strand). VCF-style: chr17-50187001-G-A. GRCh37 (hg19) VCF-style: chr17-48264362-G-A.
Identifiers: ClinVar variation 508768 (VCV000508768.8), dbSNP rs199766533, ClinGen allele CA8644423.